The following is an entry in ClinVar:

ClinVar aggregate classification (germline): Uncertain significance. Review status: criteria provided, multiple submitters, no conflicts (2 of 4 stars). 4 submissions from 4 submitters: Uncertain significance (3). 1 of the submissions does not count toward it. Last evaluated 2025-11-24.

Conditions:
STARD9-related disorder. Also called: STARD9-related condition.

Allele frequency attached by ClinVar (database versions not stated): ExAC 0.00069; gnomAD 0.00205 and 0.00190; gnomAD exomes 0.00043 and 0.00017; 1000 Genomes Project 0.00160; TOPMed 0.00210; 1000 Genomes Project 30x 0.00156.
gnomAD v4.1: 537 of 1,537,244 alleles (0.035%); highest among the groups gnomAD compares: African/African-American, 0.66%; 1 homozygote.

Submissions (4):

Ambry Genetics
Classification: Uncertain significance. Last evaluated: 2025-11-24. Review status: criteria provided, single submitter. Criteria: Ambry Variant Classification Scheme 2023. Collection method: clinical testing. Allele origin: germline.

New York Genome Center
Classification: Uncertain significance. Last evaluated: 2020-04-29. Review status: criteria provided, single submitter. Criteria: NYGC Assertion Criteria 2020. Collection method: clinical testing. Allele origin: germline. Observed: 1 heterozygote. Study: CSER-NYCKidSeq.

Breakthrough Genomics
Classification: Uncertain significance. Review status: criteria provided, single submitter. Criteria: ACMG Guidelines, 2015. Collection method: not provided. Allele origin: germline. Inheritance: Unknown mechanism. Affected: yes.

PreventionGenetics, part of Exact Sciences
Classification: Likely benign for STARD9-related condition. Last evaluated: 2019-04-11. Review status: no assertion criteria provided. Collection method: clinical testing. Allele origin: germline. Not counted in ClinVar's aggregate classification.
Comment: This variant is classified as likely benign based on ACMG/AMP sequence variant interpretation guidelines (Richards et al. 2015 PMID: 25741868, with internal and published modifications).

NM_020759.3(STARD9):c.10480G>A (p.Val3494Ile)

Gene: STARD9 (StAR related lipid transfer domain containing 9; plus strand). Cytogenetic location: 15q15.2.
Variant type: single nucleotide variant.
Coding change: c.10480G>A on transcript NM_020759.3 (MANE Select); coding-DNA position 10480, G replaced by A.
Protein change: p.Val3494Ile; replaces valine 3494 with isoleucine.
Molecular consequence: missense variant.
Genome position (GRCh38, 1-based): chr15:42,692,058, G>A. VCF-style: chr15-42692058-G-A. GRCh37 (hg19) VCF-style: chr15-42984256-G-A.
Other names: short protein forms V3494I.
Identifiers: ClinVar variation 1325596 (VCV001325596.5), dbSNP rs143444286, ClinGen allele CA7514743.
Genomic context (GRCh38, chr15:42,692,058, plus strand): 5'-CGTCCGGAGGAGCCTGCACGTATCAGCTGGAAGCAGTATATGTCTGGCAGTGCAGTCGAT[G>A]TTTCCTGCAGCCAGAAGCCCCAGGGGCTGACACTATCAAATGTGGCCCGGTGCTCCAGCA-3'
Protein context (NP_065810.2, residues 3484-3504): KQYMSGSAVD[Val3494Ile]SCSQKPQGLT